The following is an entry in ClinVar:

ClinVar aggregate classification (germline): Uncertain significance. Review status: criteria provided, multiple submitters, no conflicts (2 of 4 stars). 3 submissions from 3 submitters: Uncertain significance (3). Last evaluated 2026-08-11.

Conditions:
Classic or attenuated familial adenomatous polyposis. Identifiers: MedGen CN372698, MONDO:0021057.
Hereditary cancer-predisposing syndrome. Also called: Tumor predisposition; Neoplastic Syndromes, Hereditary; Hereditary Cancer Syndrome; Hereditary neoplastic syndrome. Identifiers: Orphanet 140162, MedGen C0027672, MeSH D009386, MONDO:0015356.
Familial adenomatous polyposis 1 (FAP1). Also called: POLYPOSIS, ADENOMATOUS INTESTINAL; FAMILIAL ADENOMATOUS POLYPOSIS 1, ATTENUATED. Identifiers: MedGen C2713442, MONDO:0021056, OMIM 175100. Disease mechanism: loss of function.

Submissions (3):

Ambry Genetics
Classification: Uncertain significance for Hereditary cancer-predisposing syndrome. Last evaluated: 2026-08-11. Review status: criteria provided, single submitter. Criteria: Ambry Variant Classification Scheme 2023. Collection method: clinical testing. Allele origin: germline.
Comment: The p.V315L variant (also known as c.943G>T), located in coding exon 9 of the APC gene, results from a G to T substitution at nucleotide position 943. The valine at codon 315 is replaced by leucine, an amino acid with highly similar properties. This amino acid position is conserved. In addition, in silico predictors for this gene do not accurately predict pathogenicity. Based on the available evidence, the clinical significance of this variant remains unclear.

Labcorp Genetics (formerly Invitae), Labcorp
Classification: Uncertain significance for Familial adenomatous polyposis 1. Last evaluated: 2023-07-18. Review status: criteria provided, single submitter. Criteria: Invitae Variant Classification Sherloc (09022015). Collection method: clinical testing. Allele origin: germline.
Comment: Advanced modeling of protein sequence and biophysical properties (such as structural, functional, and spatial information, amino acid conservation, physicochemical variation, residue mobility, and thermodynamic stability) performed at Invitae indicates that this missense variant is not expected to disrupt APC protein function. In summary, the available evidence is currently insufficient to determine the role of this variant in disease. Therefore, it has been classified as a Variant of Uncertain Significance. ClinVar contains an entry for this variant (Variation ID: 216189). This variant has not been reported in the literature in individuals affected with APC-related conditions. This variant is not present in population databases (gnomAD no frequency). This sequence change replaces valine, which is neutral and non-polar, with leucine, which is neutral and non-polar, at codon 315 of the APC protein (p.Val315Leu).

All of Us Research Program, National Institutes of Health
Classification: Uncertain significance for Classic or attenuated familial adenomatous polyposis. Last evaluated: 2023-05-04. Review status: criteria provided, single submitter. Criteria: ACMG Guidelines, 2015. Collection method: clinical testing. Allele origin: germline. Inheritance: Autosomal dominant inheritance. Observed: 1 variant allele, 1 heterozygote.
Comment: This missense variant replaces valine with leucine at codon 315 of the APC protein. Computational prediction suggests that this variant may have deleterious impact on protein structure and function (internally defined REVEL score threshold >= 0.7, PMID: 27666373). To our knowledge, functional studies have not been reported for this variant. This variant has not been reported in individuals affected with APC-related disorders in the literature. This variant has not been identified in the general population by the Genome Aggregation Database (gnomAD). The available evidence is insufficient to determine the role of this variant in disease conclusively. Therefore, this variant is classified as a Variant of Uncertain Significance.

This study involves interpretation of variants in research participants for the purpose of population health screening. Participant phenotype was not available at the time of variant classification. Additional details can be found in publication PMID: 35346344, PMCID: PMC8962531

NM_000038.6(APC):c.943G>T (p.Val315Leu)

Gene: APC (APC regulator of Wnt signaling pathway; plus strand). Cytogenetic location: 5q22.2.
Variant type: single nucleotide variant.
Coding change: c.943G>T on transcript NM_000038.6 (MANE Select); coding-DNA position 943, G replaced by T.
Protein change: p.Val315Leu; replaces valine 315 with leucine.
Molecular consequence: missense variant. On other transcripts: intron variant (4).
Genome position (GRCh38, 1-based): chr5:112,818,975, G>T. VCF-style: chr5-112818975-G-T. GRCh37 (hg19) VCF-style: chr5-112154672-G-T.
Other names: c.943G>T, p.Val315Leu (NM_001127510.3, NM_001354895.2, NM_001354896.2); c.889G>T, p.Val297Leu (NM_001127511.3); c.973G>T, p.Val325Leu (NM_001354897.2); c.868G>T, p.Val290Leu (NM_001354898.2); c.859G>T, p.Val287Leu (NM_001354899.2); c.766G>T, p.Val256Leu (NM_001354900.2, NM_001354901.2); c.94G>T, p.Val32Leu (NM_001354906.2); c.964-294G>T (NM_001354902.2); and 3 more; short protein forms V297L, V315L, V287L, V325L, V32L, V256L, V290L.
Identifiers: ClinVar variation 216189 (VCV000216189.12), dbSNP rs863224554, ClinGen allele CA337683.